The following is an entry in ClinVar:

ClinVar aggregate classification (germline): Uncertain significance (1 of 4 stars; one submission).

Conditions:
Arrhythmogenic right ventricular dysplasia 9 (ARVD9). Also called: Arrhythmogenic Right Ventricular Dysplasia/Cardiomyopathy 9; ARRHYTHMOGENIC RIGHT VENTRICULAR DYSPLASIA, FAMILIAL, 9. Identifiers: MedGen C1836906, MONDO:0012180, OMIM 609040.

Submission:

Labcorp Genetics (formerly Invitae), Labcorp
Classification: Uncertain significance for Arrhythmogenic right ventricular dysplasia 9. Last evaluated: 2020-12-25. Review status: criteria provided, single submitter. Criteria: Invitae Variant Classification Sherloc (09022015). Collection method: clinical testing. Allele origin: germline.
Comment: This sequence change replaces asparagine with aspartic acid at codon 670 of the PKP2 protein (p.Asn670Asp). The asparagine residue is moderately conserved and there is a small physicochemical difference between asparagine and aspartic acid. This variant is not present in population databases (ExAC no frequency). In summary, the available evidence is currently insufficient to determine the role of this variant in disease. Therefore, it has been classified as a Variant of Uncertain Significance. Algorithms developed to predict the effect of missense changes on protein structure and function are either unavailable or do not agree on the potential impact of this missense change (SIFT: "Tolerated"; PolyPhen-2: "Possibly Damaging"; Align-GVGD: "Class C0"). This variant has not been reported in the literature in individuals with PKP2-related conditions.

NM_001005242.3(PKP2):c.1876A>G (p.Asn626Asp)

Gene: PKP2 (plakophilin 2; minus strand). Cytogenetic location: 12p11.21.
Variant type: single nucleotide variant.
Coding change: c.1876A>G on transcript NM_001005242.3 (MANE Select); coding-DNA position 1876, A replaced by G.
Protein change: p.Asn626Asp; replaces asparagine 626 with aspartic acid.
Molecular consequence: missense variant.
Genome position (GRCh38, 1-based): chr12:32,821,493, T>C on the plus strand (A>G on the coding strand, the complement: PKP2 is on the minus strand). VCF-style: chr12-32821493-T-C. GRCh37 (hg19) VCF-style: chr12-32974427-T-C.
Other names: c.2008A>G, p.Asn670Asp (NM_004572.4); short protein forms N670D, N626D.
Identifiers: ClinVar variation 1360092 (VCV001360092.8), dbSNP rs2137773947, ClinGen allele CA384362242.
Genomic context (GRCh38, chr12:32,821,493, plus strand): 5'-TCAAGGACAGATACATCCTTATAACAATGGAATGCCACAGCCACTCCACGCCCTTGGGGT[T>C]GCTCTTTTCCTCCGGCATCGGCACGTCCTGGTATTGCTGACCACACACAAAAGGAATCCA-3'
Protein context (NP_001005242.2, residues 616-636): QDVPMPEEKS[Asn626Asp]PKGVEWLWHS